The following is an entry in ClinVar:

ClinVar aggregate classification (germline): Benign/Likely benign. Review status: criteria provided, multiple submitters, no conflicts (2 of 4 stars). 4 submissions from 4 submitters: Benign (1); Likely benign (3). Last evaluated 2025-08-18.

Allele frequency attached by ClinVar (database versions not stated): gnomAD exomes 0.00068 and 0.00141; ExAC 0.00159; 1000 Genomes Project 30x 0.00437; ESP Exome Variant Server 0.00454; 1000 Genomes Project 0.00479; gnomAD 0.00493 and 0.00508; TOPMed 0.00569.
gnomAD v4.1: 1,783 of 1,614,062 alleles (0.11%); highest among the groups gnomAD compares: African/African-American, 1.7%; 13 homozygotes.

Submissions (6):

Genomic Medicine Center of Excellence, King Faisal Specialist Hospital and Research Centre
Classification: Likely benign. Last evaluated: 2025-08-18. Review status: criteria provided, single submitter. Criteria: ACMG Guidelines, 2015. Collection method: clinical testing. Allele origin: germline.

Labcorp Genetics (formerly Invitae), Labcorp
Classification: Benign. Last evaluated: 2025-06-12. Review status: criteria provided, single submitter. Criteria: Invitae Variant Classification Sherloc (09022015). Collection method: clinical testing. Allele origin: germline.

Blueprint Genetics
Classification: Likely benign. Last evaluated: 2024-11-27. Review status: criteria provided, single submitter. Criteria: ACMG Guidelines, 2015. Collection method: clinical testing. Allele origin: germline.

GeneDx
Classification: Likely benign. Last evaluated: 2021-12-14. Review status: criteria provided, single submitter. Criteria: GeneDx Variant Classification Process June 2021. Collection method: clinical testing. Allele origin: germline. Affected: yes.
Comment: See Variant Classification Assertion Criteria.

Dr. Peter K. Rogan Lab, Western University
No classification provided (evidence only). Condition: Acute myeloid leukemia. Review status: no classification provided. Collection method: in vitro. Allele origin: not applicable. Functional consequence: retained intron. Not counted in ClinVar's aggregate classification.

Dr. Peter K. Rogan Lab, Western University
No classification provided (evidence only). Condition: Sarcoma. Review status: no classification provided. Collection method: in vitro. Allele origin: not applicable. Functional consequence: retained intron. Not counted in ClinVar's aggregate classification.

NM_015158.5(KANK1):c.3696+4A>G

Gene: KANK1 (KN motif and ankyrin repeat domains 1; plus strand). Cytogenetic location: 9p24.3.
Variant type: single nucleotide variant.
Coding change: c.3696+4A>G on transcript NM_015158.5 (MANE Select); 4 bases into the intron after coding-DNA position 3696, A replaced by G.
Molecular consequence: intron variant.
Genome position (GRCh38, 1-based): chr9:740,938, A>G. VCF-style: chr9-740938-A-G. GRCh37 (hg19) VCF-style: chr9-740938-A-G.
Other names: c.3696+4A>G (NM_001256876.3, NM_001354334.2, NM_001256877.3); c.3222+4A>G (NM_001354333.2, NM_001354335.2, NM_001354337.2 and 2 more transcripts); c.3456+4A>G (NM_001354331.2); c.3642+4A>G (NM_001354332.2); c.2928+4A>G (NM_001354336.2); c.2982+4A>G (NM_001354339.2, NM_001354343.2, NM_001354342.2); c.3168+4A>G (NM_001354338.2, NM_001354340.2, NM_001354344.2).
Identifiers: ClinVar variation 785273 (VCV000785273.15), dbSNP rs12000920, ClinGen allele CA4961098.